The following is an entry in ClinVar:

NM_176824.3(BBS7):c.737G>A (p.Ser246Asn)

Gene: BBS7 (Bardet-Biedl syndrome 7; minus strand). Cytogenetic location: 4q27.
Variant type: single nucleotide variant.
Coding change: c.737G>A on transcript NM_176824.3 (MANE Select); coding-DNA position 737, G replaced by A.
Protein change: p.Ser246Asn; replaces serine 246 with asparagine.
Molecular consequence: missense variant.
Genome position (GRCh38, 1-based): chr4:121,853,068, C>T on the plus strand (G>A on the coding strand, the complement: BBS7 is on the minus strand). VCF-style: chr4-121853068-C-T. GRCh37 (hg19) VCF-style: chr4-122774223-C-T.
Other names: c.737G>A (NM_176824.2); c.737G>A, p.Ser246Asn (NM_018190.4); short protein forms S246N.
Identifiers: ClinVar variation 1419492 (VCV001419492.8), dbSNP rs1444684339, ClinGen allele CA358064653.

ClinVar aggregate classification (germline): Uncertain significance. Review status: criteria provided, multiple submitters, no conflicts (2 of 4 stars). 3 submissions from 3 submitters: Uncertain significance (3). Last evaluated 2024-10-16.

Conditions:
Inborn genetic diseases. Identifiers: MedGen C0950123, MeSH D030342.
BBS7-related disorder. Also called: BBS7-related condition.
Bardet-Biedl syndrome (BBS). Identifiers: Orphanet 110, MedGen C0752166, MONDO:0015229.

Allele frequency attached by ClinVar (database versions not stated): gnomAD exomes below 0.00001 and 0.00003.

Submissions (3):

PreventionGenetics, part of Exact Sciences
Classification: Uncertain significance for BBS7-related condition. Last evaluated: 2024-10-16. Review status: criteria provided, single submitter. Criteria: ACMG Guidelines, 2015. Collection method: clinical testing. Allele origin: germline.
Comment: The BBS7 c.737G>A variant is predicted to result in the amino acid substitution p.Ser246Asn. To our knowledge, this variant has not been reported in the literature. This variant is reported in 0.00088% of alleles in individuals of European (Non-Finnish) descent in gnomAD. At this time, the clinical significance of this variant is uncertain due to the absence of conclusive functional and genetic evidence.

Ambry Genetics
Classification: Uncertain significance for Inborn genetic diseases. Last evaluated: 2024-10-01. Review status: criteria provided, single submitter. Criteria: Ambry Variant Classification Scheme 2023. Collection method: clinical testing. Allele origin: germline.

Labcorp Genetics (formerly Invitae), Labcorp
Classification: Uncertain significance for Bardet-Biedl syndrome. Last evaluated: 2021-03-25. Review status: criteria provided, single submitter. Criteria: Invitae Variant Classification Sherloc (09022015). Collection method: clinical testing. Allele origin: germline.
Comment: In summary, the available evidence is currently insufficient to determine the role of this variant in disease. Therefore, it has been classified as a Variant of Uncertain Significance. Algorithms developed to predict the effect of missense changes on protein structure and function output the following: SIFT: "Tolerated"; PolyPhen-2: "Benign"; Align-GVGD: "Class C0". The asparagine amino acid residue is found in multiple mammalian species, suggesting that this missense change does not adversely affect protein function. These predictions have not been confirmed by published functional studies and their clinical significance is uncertain. This variant has not been reported in the literature in individuals with BBS7-related conditions. This variant is not present in population databases (ExAC no frequency). This sequence change replaces serine with asparagine at codon 246 of the BBS7 protein (p.Ser246Asn). The serine residue is highly conserved and there is a small physicochemical difference between serine and asparagine.